The following is an entry in ClinVar:

NM_013314.4(BLNK):c.68A>G (p.His23Arg)

Gene: BLNK (B cell linker; minus strand). Cytogenetic location: 10q24.1.
Variant type: single nucleotide variant.
Coding change: c.68A>G on transcript NM_013314.4 (MANE Select); coding-DNA position 68, A replaced by G.
Protein change: p.His23Arg; replaces histidine 23 with arginine.
Molecular consequence: missense variant. On other transcripts: non-coding transcript variant (4).
Genome position (GRCh38, 1-based): chr10:96,247,029, T>C on the plus strand (A>G on the coding strand, the complement: BLNK is on the minus strand). VCF-style: chr10-96247029-T-C. GRCh37 (hg19) VCF-style: chr10-98006785-T-C.
Other names: c.68A>G, p.His23Arg (NM_001114094.2, NM_001258440.2, NM_001258441.2 and 1 more transcripts); short protein forms H23R.
Identifiers: ClinVar variation 2442478 (VCV002442478.1), dbSNP rs1554907811, ClinGen allele CA377731318.

ClinVar aggregate classification (germline): Uncertain significance (1 of 4 stars; one submission).

gnomAD v4.1: 2 of 1,606,010 alleles (0.00012%); highest among the groups gnomAD compares: South Asian, 0.0011%; no homozygotes.

Submission:

GeneDx
Classification: Uncertain significance. Last evaluated: 2022-08-30. Review status: criteria provided, single submitter. Criteria: GeneDx Variant Classification Process June 2021. Collection method: clinical testing. Allele origin: germline. Affected: yes.
Comment: Not observed at significant frequency in large population cohorts (gnomAD); In silico analysis supports that this missense variant has a deleterious effect on protein structure/function; Has not been previously published as pathogenic or benign to our knowledge